The following is an entry in ClinVar:

NM_001375405.1(CEP120):c.2220G>T (p.Leu740=)

Gene: CEP120 (centrosomal protein 120; minus strand). Cytogenetic location: 5q23.2.
Variant type: single nucleotide variant.
Coding change: c.2220G>T on transcript NM_001375405.1 (MANE Select); coding-DNA position 2220, G replaced by T.
Protein change: p.Leu740=; no amino-acid change (leucine 740 retained).
Molecular consequence: synonymous variant. On other transcripts: non-coding transcript variant (1).
Genome position (GRCh38, 1-based): chr5:123,377,512, C>A on the plus strand (G>T on the coding strand, the complement: CEP120 is on the minus strand). VCF-style: chr5-123377512-C-A. GRCh37 (hg19) VCF-style: chr5-122713206-C-A.
Other names: c.2142G>T, p.Leu714= (NM_001166226.2); c.2085G>T, p.Leu695= (NM_001375406.1); c.2220G>T, p.Leu740= (NM_001375407.1, NM_153223.4); c.1647G>T, p.Leu549= (NM_001375408.1, NM_001375409.1).
Identifiers: ClinVar variation 1530646 (VCV001530646.16), dbSNP rs750757836, ClinGen allele CA3386691.

ClinVar aggregate classification (germline): Likely benign. Review status: criteria provided, multiple submitters, no conflicts (2 of 4 stars). 3 submissions from 3 submitters: Likely benign (3). Last evaluated 2025-12-13.

Conditions:
Short-rib thoracic dysplasia 13 with or without polydactyly (SRTD13). Identifiers: Orphanet 474, MedGen C4225378, MONDO:0014577, OMIM 616300.

Allele frequency attached by ClinVar (database versions not stated): ExAC 0.00004; gnomAD exomes 0.00006 and 0.00002; gnomAD 0.00001; TOPMed 0.00001.
gnomAD v4.1: 14 of 1,586,160 alleles (0.00088%); highest among the groups gnomAD compares: Admixed American, 0.028%; no homozygotes.

Submissions (3):

Labcorp Genetics (formerly Invitae), Labcorp
Classification: Likely benign for Short-rib thoracic dysplasia 13 with or without polydactyly. Last evaluated: 2025-12-13. Review status: criteria provided, single submitter. Criteria: Invitae Variant Classification Sherloc (09022015). Collection method: clinical testing. Allele origin: germline.

CeGaT Center for Human Genetics Tuebingen
Classification: Likely benign. Last evaluated: 2025-09-01. Review status: criteria provided, single submitter. Criteria: CeGaT Center For Human Genetics Tuebingen Variant Classification Criteria Version 2. Collection method: clinical testing. Allele origin: germline. Affected: yes. Observed: 1 variant allele.
Comment: CEP120: BP4, BP7

Blueprint Genetics
Classification: Likely benign. Last evaluated: 2019-09-25. Review status: criteria provided, single submitter. Criteria: ACMG Guidelines, 2015. Collection method: clinical testing. Allele origin: germline.